The following continues an entry in ClinVar:

NM_000551.4(VHL):c.154G>T (p.Glu52Ter)

Gene: VHL. ClinVar aggregate classification (germline): Uncertain significance. Uncertain significance (13).

Submissions 6 to 14 of 14:

Color Diagnostics, LLC DBA Color Health
Classification: Uncertain significance for Von Hippel-Lindau syndrome. Last evaluated: 2024-05-21. Review status: criteria provided, single submitter. Criteria: ACMG Guidelines, 2015. Collection method: clinical testing. Allele origin: germline.
Comment: This variant changes 1 nucleotide in exon 1 of the VHL gene, creating a premature translation stop signal. This variant is expected to result in an absent or non-functional protein product. However, there is a naturally occurring VHL protein isoform that has start of translation at methionine 54 and appears to retain tumor suppressor activity (PMID: 9671762, 9751722, 10102622), which may ameliorate the deleterious effects of this N-terminal frameshift. To our knowledge, functional studies have not been reported for this variant. This variant has been reported three individuals affected with VHL-associated clinical features including one individual affected with central nervous system hemangioblastoma and pancreatic cyst (PMID: 21463266), an individual affected with multiple retinal and cerebellar hemangioblastoma (PMID: 34566400), and an individual affected with renal cell carcinoma (PMID: 28873162). This variant also has been reported in one individual each affected with pancreatic and breast cancer (PMID: 26681312, 28454591), two individuals affected with erythrocytosis (PMID: 27651169, 29790589) and an individual affected with malignant pleural mesothelioma (PMID: 35032816). This variant has been identified in 4/222880 chromosomes in the general population by the Genome Aggregation Database (gnomAD). Loss of VHL function is a known mechanism of disease. The available evidence is insufficient to determine the role of this variant in disease conclusively. Therefore, this variant is classified as a Variant of Uncertain Significance.

Genomic Medicine Center of Excellence, King Faisal Specialist Hospital and Research Centre
Classification: Uncertain significance for Chuvash polycythemia. Last evaluated: 2024-03-29. Review status: criteria provided, single submitter. Criteria: ACMG Guidelines, 2015. Collection method: clinical testing. Allele origin: germline.

Baylor Genetics
Classification: Uncertain significance for Chuvash polycythemia. Last evaluated: 2024-02-15. Review status: criteria provided, single submitter. Criteria: ACMG Guidelines, 2015. Collection method: clinical testing. Allele origin: unknown.

Fulgent Genetics
Classification: Uncertain significance for Nonpapillary renal cell carcinoma; Pheochromocytoma; Von Hippel-Lindau syndrome; Chuvash polycythemia. Last evaluated: 2024-01-10. Review status: criteria provided, single submitter. Criteria: ACMG Guidelines, 2015. Collection method: clinical testing. Allele origin: germline.

Blueprint Genetics
Classification: Uncertain significance. Last evaluated: 2022-12-20. Review status: criteria provided, single submitter. Criteria: ACMG Guidelines, 2015. Collection method: clinical testing. Allele origin: germline.

Laboratory for Molecular Medicine, Mass General Brigham Personalized Medicine
Classification: Uncertain significance. Last evaluated: 2022-05-19. Review status: criteria provided, single submitter. Criteria: ACMG Guidelines, 2015. Collection method: clinical testing. Allele origin: germline. Inheritance: Autosomal unknown.
Comment: The p.Glu52X variant in VHL has been reported in at least 1 sporadic case with VHL-associated tumors (Leonardi 2011). It has also been identified in 3/94886 European chromosomes by the genome Aggregation Database (gnomAD; dbSNP rs373068386). This nonsense variant leads to a premature termination codon at position 52, which is predicted to lead to a truncated or absent protein. However, two isoforms of the VHL protein are expressed in humans: the full length protein (pVHL30) and a shorter isoform (pVHL19), which is translated from the methionine residue at position 54 of pVHL30 (Robinson 2014). Both isoforms are reported to have tumor suppressor abilities (Blankenship 1999). The p.Glu52X variant would only be expected to impact the pVHL30 isoform, meaning that a functional VHL tumor suppressor (pVHL19) may still be produced. A mouse model lacking the long isoform of VHL did not have overt phenotypes, supporting that loss of pVHL30 may not be sufficient to cause von Hippel-Lindau (VHL) syndrome (Frew 2013). Nevertheless, several studies suggest that the pVHL19 and pVHL30 have unique cellular functions (Frew 2013, Minervini 2015), and loss of the pVHL30 isoform may lead to clinical manifestations. Only two other studies have reported loss of funtion (LoF) variants that impact only the pVHL30 isoform (Olschwang 1998, Fu 2015), and additional data would provide evidence to support the association of "pVHL30 only" LoF variants to VHL syndrome. In summary, while there is some suspicion for a pathogenic role due to its predicted impact, the clinical significance of the p.Glu52X variant is uncertain.

Laboratory of Medical Genetics Unit, Bambino Gesù Children's Hospital
Classification: Uncertain significance for Diffuse midline glioma, H3 K27-altered. Last evaluated: 2022-04-28. Review status: criteria provided, single submitter. Criteria: ACMG Guidelines, 2015. Collection method: research. Allele origin: maternal. Affected: yes. Observed: 1 heterozygote.

Women's Health and Genetics/Laboratory Corporation of America, LabCorp
Classification: Uncertain significance. Last evaluated: 2018-08-07. Review status: criteria provided, single submitter. Criteria: LabCorp Variant Classification Summary - May 2015. Collection method: clinical testing. Allele origin: germline.
Comment: Variant summary: VHL c.154G>T (p.Glu52X) results in a premature termination codon, predicted to cause a truncation of the encoded protein or absence of the protein due to nonsense mediated decay, which are commonly known mechanisms for disease. Truncations downstream of this position have been classified as pathogenic by our laboratory (eg. p.Glu55fsX12, p.Gly57fsX75, p.Val62fsX5). The variant allele was found at a frequency of 4.1e-05 in 24438 control chromosomes. c.154G>T has been reported in the literature in an individual with haemangioblastoma of the central nervous system (Leonardi_2011) as well as other cancer phenotypes (Susswein_2015, Mandelker_2017). These data do not allow any conclusion about variant significance. A functional study showed the variant to undergoing proteasome-dependent degradation (Schoenfeld_2000). However, there is some evidence that a second transcript, in which the variant occurs upstream of the start codon, provides sufficient VHL protein-protein interactions and tumor suppressor activity (Iliopoulos_1998, Schoenfeld_1998). Three clinical diagnostic laboratories have submitted clinical-significance assessments for this variant to ClinVar after 2014 without evidence for independent evaluation; all laboratories classified the variant as uncertain significance. Based on the evidence outlined above, the variant was classified as a VUS - possibly pathogenic.

Counsyl
Classification: Uncertain significance for Von Hippel-Lindau syndrome. Last evaluated: 2017-05-16. Review status: no assertion criteria provided. Collection method: clinical testing. Allele origin: unknown. Not counted in ClinVar's aggregate classification.

Literature cited by the submitters: PubMed 26681312 (cited by 6 submitters); PubMed 27651169 (cited by 6 submitters); PubMed 28454591 (cited by 5 submitters); PubMed 34566400 (cited by 4 submitters); PubMed 9671762 (cited by 5 submitters); PubMed 9751722 (cited by 4 submitters); PubMed 21463266 (cited by 6 submitters); PubMed 29790589 (cited by 3 submitters); PubMed 29978187 (cited by Ambry Genetics and Laboratory for Molecular Medicine, Mass General Brigham Personalized Medicine); PubMed 10102622 (cited by 3 submitters); PubMed 28873162 (cited by 3 submitters); PubMed 35032816 (cited by All of Us Research Program, National Institutes of Health and Color Diagnostics, LLC DBA Color Health); PubMed 23541568 (cited by Laboratory for Molecular Medicine, Mass General Brigham Personalized Medicine); PubMed 26211615 (cited by Laboratory for Molecular Medicine, Mass General Brigham Personalized Medicine); PubMed 24583008 (cited by Laboratory for Molecular Medicine, Mass General Brigham Personalized Medicine); PubMed 10766184 (cited by Laboratory for Molecular Medicine, Mass General Brigham Personalized Medicine); PubMed 25966224 (cited by Laboratory for Molecular Medicine, Mass General Brigham Personalized Medicine); PubMed 9829912 (cited by Laboratory for Molecular Medicine, Mass General Brigham Personalized Medicine); PubMed 10900011 (cited by Women's Health and Genetics/Laboratory Corporation of America, LabCorp).